The following is an entry in ClinVar:

ClinVar aggregate classification (germline): Uncertain significance (1 of 4 stars; one submission).

Submission:

Labcorp Genetics (formerly Invitae), Labcorp
Classification: Uncertain significance. Last evaluated: 2024-03-06. Review status: criteria provided, single submitter. Criteria: Invitae Variant Classification Sherloc (09022015). Collection method: clinical testing. Allele origin: germline.
Comment: This sequence change creates a premature translational stop signal (p.Cys1633Leufs*4) in the TET2 gene. While this is not anticipated to result in nonsense mediated decay, it is expected to disrupt the last 370 amino acid(s) of the TET2 protein. This variant is not present in population databases (gnomAD no frequency). This variant has not been reported in the literature in individuals affected with TET2-related conditions. Experimental studies and prediction algorithms are not available or were not evaluated, and the functional significance of this variant is currently unknown. In summary, the available evidence is currently insufficient to determine the role of this variant in disease. Therefore, it has been classified as a Variant of Uncertain Significance.

NM_001127208.3(TET2):c.4835_4896dup (p.Cys1633delinsLeuIleProTer)

Genes: TET2 (tet methylcytosine dioxygenase 2; plus strand), TET2-AS1 (TET2 antisense RNA 1; minus strand). Cytogenetic location: 4q24.
Variant type: Duplication.
Coding change: c.4835_4896dup on transcript NM_001127208.3 (MANE Select); coding-DNA positions 4835 to 4896, 62 bases duplicated.
Protein change: p.Cys1633delinsLeuIleProTer.
Molecular consequence: nonsense.
Genome position (GRCh38, 1-based): chr4:105,275,345-105,275,406, 62 bases duplicated. GRCh37 (hg19): chr4:106,196,502-106,196,563.
Identifiers: ClinVar variation 2811321 (VCV002811321.3), dbSNP rs2476746697, ClinGen allele CA2739270188.